The following is an entry in ClinVar:

NM_000059.4(BRCA2):c.995T>C (p.Ile332Thr)

Gene: BRCA2 (BRCA2 DNA repair associated; plus strand). Cytogenetic location: 13q13.1.
Variant type: single nucleotide variant.
Coding change: c.995T>C on transcript NM_000059.4 (MANE Select); coding-DNA position 995, T replaced by C.
Protein change: p.Ile332Thr; replaces isoleucine 332 with threonine.
Molecular consequence: missense variant.
Genome position (GRCh38, 1-based): chr13:32,332,473, T>C. VCF-style: chr13-32332473-T-C. GRCh37 (hg19) VCF-style: chr13-32906610-T-C.
Other names: c.995T>C, p.Ile332Thr (NM_001406719.1, NM_001406720.1, NM_001406721.1); short protein forms I332T.
Identifiers: ClinVar variation 1768736 (VCV001768736.5), dbSNP rs1555281682, ClinGen allele CA387761019.

ClinVar aggregate classification (germline): Conflicting classifications of pathogenicity. Review status: criteria provided, conflicting classifications (1 of 4 stars). 3 submissions from 3 submitters: Uncertain significance (2); Likely benign (1). Last evaluated 2023-03-23.

Conditions:
Hereditary cancer-predisposing syndrome. Also called: Hereditary Cancer Syndrome; Hereditary neoplastic syndrome; Neoplastic Syndromes, Hereditary; Tumor predisposition. Identifiers: Orphanet 140162, MedGen C0027672, MeSH D009386, MONDO:0015356.

Submissions (3):

University of Washington Department of Laboratory Medicine, University of Washington
Classification: Likely benign for Hereditary cancer-predisposing syndrome. Last evaluated: 2023-03-23. Review status: criteria provided, single submitter. Criteria: Dines et al. (Genet Med. 2020). Collection method: curation. Allele origin: germline.
Comment: Missense variant in a coldspot region where missense variants are very unlikely to be pathogenic (PMID:31911673).

BRCA2 exon 10 coldspot. Reclassification based on statistical prior probability.

Ambry Genetics
Classification: Uncertain significance for Hereditary cancer-predisposing syndrome. Last evaluated: 2021-11-12. Review status: criteria provided, single submitter. Criteria: Ambry Variant Classification Scheme 2023. Collection method: clinical testing. Allele origin: germline.
Comment: The p.I332T variant (also known as c.995T>C), located in coding exon 9 of the BRCA2 gene, results from a T to C substitution at nucleotide position 995. The isoleucine at codon 332 is replaced by threonine, an amino acid with similar properties. This amino acid position is not well conserved in available vertebrate species. In addition, this alteration is predicted to be tolerated by in silico analysis. Since supporting evidence is limited at this time, the clinical significance of this alteration remains unclear.

Quest Diagnostics Nichols Institute San Juan Capistrano
Classification: Uncertain significance. Last evaluated: 2021-06-19. Review status: criteria provided, single submitter. Criteria: Quest Diagnostics criteria. Collection method: clinical testing. Allele origin: unknown.